The following is an entry in ClinVar:

NM_198253.3(TERT):c.2869A>G (p.Ser957Gly)

Gene: TERT (telomerase reverse transcriptase; minus strand). Cytogenetic location: 5p15.33.
Variant type: single nucleotide variant.
Coding change: c.2869A>G on transcript NM_198253.3 (MANE Select); coding-DNA position 2869, A replaced by G.
Protein change: p.Ser957Gly; replaces serine 957 with glycine.
Molecular consequence: missense variant. On other transcripts: non-coding transcript variant (2).
Genome position (GRCh38, 1-based): chr5:1,260,575, T>C on the plus strand (A>G on the coding strand, the complement: TERT is on the minus strand). VCF-style: chr5-1260575-T-C. GRCh37 (hg19) VCF-style: chr5-1260690-T-C.
Other names: c.2680A>G, p.Ser894Gly (NM_001193376.3); short protein forms S894G, S957G.
Identifiers: ClinVar variation 1318581 (VCV001318581.2), dbSNP rs1748158034, ClinGen allele CA359070425.

ClinVar aggregate classification (germline): Uncertain significance (1 of 4 stars; one submission).

Submission:

GeneDx
Classification: Uncertain significance. Last evaluated: 2019-09-30. Review status: criteria provided, single submitter. Criteria: GeneDx Variant Classification Process June 2021. Collection method: clinical testing. Allele origin: germline. Affected: yes.
Comment: Not observed in large population cohorts (Lek et al., 2016); In silico analysis, which includes protein predictors and evolutionary conservation, supports a deleterious effect; Has not been previously published as pathogenic or benign to our knowledge